The following is an entry in ClinVar:

ClinVar aggregate classification (germline): Benign. Review status: criteria provided, multiple submitters, no conflicts (2 of 4 stars). 2 submissions from 2 submitters: Benign (2). Last evaluated 2026-01-29.

Submissions (2):

Women's Health and Genetics/Laboratory Corporation of America, LabCorp
Classification: Benign. Last evaluated: 2026-01-29. Review status: criteria provided, single submitter. Criteria: LabCorp Variant Classification Summary - May 2015. Collection method: clinical testing. Allele origin: germline.
Comment: Variant summary: TNFSF13 c.225G>C results in a synonymous change. The variant allele was found at a frequency of 0.021 in 238440 control chromosomes, predominantly at a frequency of 0.059 within the Latino subpopulation in the gnomAD database, including 59 homozygotes. The observed variant frequency within Latino control individuals in the gnomAD database exceeds the estimated maximal expected allele frequency for disease-causing variants in TNFSF13. To our knowledge, no occurrence of c.225G>C in individuals affected with TNFSF13-related conditions and no experimental evidence demonstrating its impact on protein function have been reported. ClinVar contains an entry for this variant (Variation ID: 4684187). Based on the evidence outlined above, the variant was classified as benign.

Mayo Clinic Laboratories, Mayo Clinic
Classification: Benign. Last evaluated: 2024-03-16. Review status: criteria provided, single submitter. Criteria: ACMG Guidelines, 2015. Collection method: clinical testing. Allele origin: germline. Observed: 2 variant alleles.

NM_003808.4(TNFSF13):c.225G>C (p.Gly75=)

Genes: TNFSF12-TNFSF13 (TNFSF12-TNFSF13 readthrough; plus strand), TNFSF13 (TNF superfamily member 13; plus strand). Cytogenetic location: 17p13.1.
Variant type: single nucleotide variant.
Coding change: c.225G>C on transcript NM_003808.4 (MANE Select); coding-DNA position 225, G replaced by C.
Protein change: p.Gly75=; no amino-acid change (glycine 75 retained).
Molecular consequence: synonymous variant. On other transcripts: non-coding transcript variant (1), intron variant (1).
Genome position (GRCh38, 1-based): chr17:7,559,264, G>C. VCF-style: chr17-7559264-G-C. GRCh37 (hg19) VCF-style: chr17-7462581-G-C.
Other names: p.Gly75=; c.225G>C, p.Gly75= (NM_001198622.2, NM_001198623.2, NM_172087.3 and 1 more transcripts); c.174G>C, p.Gly58= (NM_001198624.2); c.499-360G>C (NM_172089.4).
Identifiers: ClinVar variation 4684187 (VCV004684187.2).